The following is an entry in ClinVar:

ClinVar aggregate classification (germline): Uncertain significance (1 of 4 stars; one submission).

Allele frequency attached by ClinVar (database versions not stated): gnomAD 0.00001; TOPMed 0.00002.

Submission:

Labcorp Genetics (formerly Invitae), Labcorp
Classification: Uncertain significance. Last evaluated: 2025-08-29. Review status: criteria provided, single submitter. Criteria: Invitae Variant Classification Sherloc (09022015). Collection method: clinical testing. Allele origin: germline.
Comment: This sequence change replaces glycine, which is neutral and non-polar, with tryptophan, which is neutral and slightly polar, at codon 124 of the ALPK3 protein (p.Gly124Trp). This variant is present in population databases (no rsID available, gnomAD 0.01%). This variant has not been reported in the literature in individuals affected with ALPK3-related conditions. ClinVar contains an entry for this variant (Variation ID: 2730470). An algorithm developed to predict the effect of missense changes on protein structure and function (PolyPhen-2) suggests that this variant is likely to be disruptive. In summary, the available evidence is currently insufficient to determine the role of this variant in disease. Therefore, it has been classified as a Variant of Uncertain Significance.

NC_000015.10:g.84817216G>T

Gene: ALPK3 (alpha kinase 3; plus strand). Cytogenetic location: 15q25.3.
Variant type: single nucleotide variant.
Genome position: GRCh38 VCF-style: chr15-84817216-G-T. GRCh37 (hg19) VCF-style: chr15-85360447-G-T.
Identifiers: ClinVar variation 2730470 (VCV002730470.3), dbSNP rs968312537, ClinGen allele CA273650923.